The following is an entry in ClinVar:

NM_152618.3(BBS12):c.457_460del (p.Phe153fs)

Gene: BBS12 (Bardet-Biedl syndrome 12; plus strand). Cytogenetic location: 4q27.
Variant type: Deletion.
Coding change: c.457_460del on transcript NM_152618.3 (MANE Select); coding-DNA positions 457 to 460, 4 bases deleted (TTTA; older notation c.457_460delTTTA).
Protein change: p.Phe153fs; shifts the reading frame from phenylalanine 153.
Molecular consequence: frameshift variant.
Genome position (GRCh38, 1-based): chr4:122,742,349-122,742,352, TTTA deleted; deleting any 4 consecutive bases within chr4:122,742,348-122,742,352 gives the same sequence; the c. name uses the placement nearest the transcript's 3' end. VCF-style (leftmost placement, unchanged base first): chr4-122742347-CATTT-C. GRCh37 (hg19) VCF-style: chr4-123663502-CATTT-C.
Other names: c.457_460del, p.Phe153fs (NM_001178007.2); short protein forms F153fs.
Identifiers: ClinVar variation 4816887 (VCV004816887.1).

ClinVar aggregate classification (germline): Likely pathogenic (1 of 4 stars; one submission).

Conditions:
Bardet-Biedl syndrome 12 (BBS12). Identifiers: Orphanet 110, MedGen C1859570, MONDO:0014440, OMIM 615989.

Submission:

Natera, Inc.
Classification: Likely pathogenic for Bardet-Biedl syndrome type 12. Last evaluated: 2024-10-14. Review status: criteria provided, single submitter. Criteria: Natera Variant Classification Schema (03/2026). Collection method: clinical testing. Allele origin: germline.
Comment: The c.457_460del variant in BBS12 is a frameshift variant predicted to shift the reading frame beginning at codon 153 and leads to a stop codon 2 codons downstream. This variant is expected to result in nonsense mediated decay, truncation, or a dysfunctional protein product. This variant is rare in the general population with a frequency below the threshold expected for the associated phenotype(s). Given the available evidence, this variant is classified as Likely Pathogenic.